The following is an entry in ClinVar:

NM_002693.3(POLG):c.360G>C (p.Leu120Phe)

Genes: POLG (DNA polymerase gamma, catalytic subunit; minus strand), POLGARF (POLG alternative reading frame; minus strand). Cytogenetic location: 15q26.1.
Variant type: single nucleotide variant.
Coding change: c.360G>C on transcript NM_002693.3 (MANE Select); coding-DNA position 360, G replaced by C.
Protein change: p.Leu120Phe; replaces leucine 120 with phenylalanine.
Molecular consequence: missense variant.
Genome position (GRCh38, 1-based): chr15:89,333,395, C>G on the plus strand (G>C on the coding strand, the complement: POLG is on the minus strand). VCF-style: chr15-89333395-C-G. GRCh37 (hg19) VCF-style: chr15-89876626-C-G.
Other names: c.360G>C, p.Leu120Phe (NM_001126131.2); short protein forms L120F.
Identifiers: ClinVar variation 2755461 (VCV002755461.3), dbSNP rs886043905, ClinGen allele CA393772348.

ClinVar aggregate classification (germline): Uncertain significance (1 of 4 stars; one submission).

Conditions:
Progressive sclerosing poliodystrophy (MTDPS4A). Also called: ALPERS PROGRESSIVE INFANTILE POLIODYSTROPHY; NEURONAL DEGENERATION OF CHILDHOOD WITH LIVER DISEASE, PROGRESSIVE; Alpers Syndrome; ALPERS DIFFUSE DEGENERATION OF CEREBRAL GRAY MATTER WITH HEPATIC CIRRHOSIS; Alpers-Huttenlocher Syndrome; Mitochondrial DNA depletion syndrome 4A (Alpers type). Identifiers: Orphanet 726, MedGen C0205710, MONDO:0008758, OMIM 203700.

Submission:

Labcorp Genetics (formerly Invitae), Labcorp
Classification: Uncertain significance for Progressive sclerosing poliodystrophy. Last evaluated: 2023-08-27. Review status: criteria provided, single submitter. Criteria: Invitae Variant Classification Sherloc (09022015). Collection method: clinical testing. Allele origin: germline.
Comment: This sequence change replaces leucine, which is neutral and non-polar, with phenylalanine, which is neutral and non-polar, at codon 120 of the POLG protein (p.Leu120Phe). This variant is not present in population databases (gnomAD no frequency). This variant has not been reported in the literature in individuals affected with POLG-related conditions. Advanced modeling of protein sequence and biophysical properties (such as structural, functional, and spatial information, amino acid conservation, physicochemical variation, residue mobility, and thermodynamic stability) performed at Invitae indicates that this missense variant is expected to disrupt POLG protein function. In summary, the available evidence is currently insufficient to determine the role of this variant in disease. Therefore, it has been classified as a Variant of Uncertain Significance.